The following is an entry in ClinVar:

ClinVar aggregate classification (germline): Uncertain significance. Review status: criteria provided, multiple submitters, no conflicts (2 of 4 stars). 2 submissions from 2 submitters: Uncertain significance (2). Last evaluated 2022-07-12.

Allele frequency attached by ClinVar (database versions not stated): TOPMed below 0.00001; gnomAD exomes 0.00001 and 0.00004; ExAC 0.00003.
gnomAD v4.1: 50 of 1,596,878 alleles (0.0031%); highest among the groups gnomAD compares: Non-Finnish European, 0.0042%; no homozygotes.

Submissions (2):

Labcorp Genetics (formerly Invitae), Labcorp
Classification: Uncertain significance. Last evaluated: 2022-07-12. Review status: criteria provided, single submitter. Criteria: Invitae Variant Classification Sherloc (09022015). Collection method: clinical testing. Allele origin: germline.
Comment: Algorithms developed to predict the effect of missense changes on protein structure and function are either unavailable or do not agree on the potential impact of this missense change (SIFT: "Deleterious"; PolyPhen-2: "Probably Damaging"; Align-GVGD: "Class C0"). In summary, the available evidence is currently insufficient to determine the role of this variant in disease. Therefore, it has been classified as a Variant of Uncertain Significance. ClinVar contains an entry for this variant (Variation ID: 1522885). This variant has not been reported in the literature in individuals affected with CEP78-related conditions. This variant is present in population databases (rs756323667, gnomAD 0.003%). This sequence change replaces histidine, which is basic and polar, with tyrosine, which is neutral and polar, at codon 18 of the CEP78 protein (p.His18Tyr).

Blueprint Genetics
Classification: Uncertain significance. Last evaluated: 2020-12-29. Review status: criteria provided, single submitter. Criteria: ACMG Guidelines, 2015. Collection method: clinical testing. Allele origin: germline.

NM_001330691.3(CEP78):c.52C>T (p.His18Tyr)

Gene: CEP78 (centrosomal protein 78; plus strand). Cytogenetic location: 9q21.2.
Variant type: single nucleotide variant.
Coding change: c.52C>T on transcript NM_001330691.3 (MANE Select); coding-DNA position 52, C replaced by T.
Protein change: p.His18Tyr; replaces histidine 18 with tyrosine.
Molecular consequence: missense variant.
Genome position (GRCh38, 1-based): chr9:78,236,402, C>T. VCF-style: chr9-78236402-C-T. GRCh37 (hg19) VCF-style: chr9-80851318-C-T.
Other names: c.52C>T, p.His18Tyr (NM_001098802.3, NM_001330693.3, NM_001330694.2 and 4 more transcripts); short protein forms H18Y.
Identifiers: ClinVar variation 1522885 (VCV001522885.5), dbSNP rs756323667, ClinGen allele CA5094791.